The following is an entry in ClinVar:

ClinVar aggregate classification (germline): Uncertain significance (1 of 4 stars; one submission).

Conditions:
Joubert syndrome 8 (JBTS8). Identifiers: Orphanet 475, MedGen C2676771, MONDO:0012855, OMIM 612291.

Submission:

Labcorp Genetics (formerly Invitae), Labcorp
Classification: Uncertain significance for Joubert syndrome 8. Last evaluated: 2023-04-18. Review status: criteria provided, single submitter. Criteria: Invitae Variant Classification Sherloc (09022015). Collection method: clinical testing. Allele origin: germline.
Comment: In summary, the available evidence is currently insufficient to determine the role of this variant in disease. Therefore, it has been classified as a Variant of Uncertain Significance. Advanced modeling of protein sequence and biophysical properties (such as structural, functional, and spatial information, amino acid conservation, physicochemical variation, residue mobility, and thermodynamic stability) performed at Invitae indicates that this missense variant is not expected to disrupt ARL13B protein function. This variant has not been reported in the literature in individuals affected with ARL13B-related conditions. This sequence change replaces threonine, which is neutral and polar, with alanine, which is neutral and non-polar, at codon 389 of the ARL13B protein (p.Thr389Ala). This variant is not present in population databases (gnomAD no frequency).

NM_001174150.2(ARL13B):c.1165A>G (p.Thr389Ala)

Gene: ARL13B (ARF like GTPase 13B; plus strand). Cytogenetic location: 3q11.2.
Variant type: single nucleotide variant.
Coding change: c.1165A>G on transcript NM_001174150.2 (MANE Select); coding-DNA position 1165, A replaced by G.
Protein change: p.Thr389Ala; replaces threonine 389 with alanine.
Molecular consequence: missense variant. On other transcripts: non-coding transcript variant (2), intron variant (1).
Genome position (GRCh38, 1-based): chr3:94,050,847, A>G. VCF-style: chr3-94050847-A-G. GRCh37 (hg19) VCF-style: chr3-93769691-A-G.
Other names: c.856A>G, p.Thr286Ala (NM_001174151.2); c.1120A>G, p.Thr374Ala (NM_001321328.2); c.844A>G, p.Thr282Ala (NM_144996.4); c.1165A>G, p.Thr389Ala (NM_182896.3); c.1141+1325A>G (NM_001410782.1); short protein forms T286A, T389A, T282A, T374A.
Identifiers: ClinVar variation 2857423 (VCV002857423.3), dbSNP rs2472153661, ClinGen allele CA353679638.
Genomic context (GRCh38, chr3:94,050,847, plus strand): 5'-TTAACAGTGTTTTTTAAATGTTTTTCTTTTTCTTTAGTTGGCTGGGGAACCCCTAAAGTC[A>G]CTAGACTTCCAAAACTTGAGCCTCTTGGTGAAACACATCATAATGGTAATGCAAAAGGAT-3'
Protein context (NP_001167621.1, residues 379-399): PPVGWGTPKV[Thr389Ala]RLPKLEPLGE